The following is an entry in ClinVar:

ClinVar aggregate classification (germline): Uncertain significance. Review status: criteria provided, multiple submitters, no conflicts (2 of 4 stars). 2 submissions from 2 submitters: Uncertain significance (2). Last evaluated 2022-02-08.

Conditions:
Retinitis pigmentosa 59 (RP59). Identifiers: Orphanet 791, MedGen C3151227, MONDO:0013468, OMIM 613861.
Inborn genetic diseases. Identifiers: MedGen C0950123, MeSH D030342.

Allele frequency attached by ClinVar (database versions not stated): gnomAD 0.00001; gnomAD exomes 0.00001.
gnomAD v4.1: 6 of 1,614,010 alleles (0.00037%); highest among the groups gnomAD compares: Admixed American, 0.0017%; no homozygotes.

Submissions (2):

Ambry Genetics
Classification: Uncertain significance for Inborn genetic diseases. Last evaluated: 2022-02-08. Review status: criteria provided, single submitter. Criteria: Ambry Variant Classification Scheme 2023. Collection method: clinical testing. Allele origin: germline.
Comment: Occurs in the last base pair of the exon Based on insufficient or conflicting evidence, the clinical significance of this alteration remains unclear.

Labcorp Genetics (formerly Invitae), Labcorp
Classification: Uncertain significance for Retinitis pigmentosa 59. Last evaluated: 2021-08-31. Review status: criteria provided, single submitter. Criteria: Invitae Variant Classification Sherloc (09022015). Collection method: clinical testing. Allele origin: germline.
Comment: This sequence change replaces lysine with arginine at codon 108 of the DHDDS protein (p.Lys108Arg). The lysine residue is weakly conserved and there is a small physicochemical difference between lysine and arginine. This variant is not present in population databases (ExAC no frequency). This variant has not been reported in the literature in individuals affected with DHDDS-related conditions. Algorithms developed to predict the effect of missense changes on protein structure and function (SIFT, PolyPhen-2, Align-GVGD) all suggest that this variant is likely to be tolerated. Algorithms developed to predict the effect of sequence changes on RNA splicing suggest that this variant may create or strengthen a splice site. In summary, the available evidence is currently insufficient to determine the role of this variant in disease. Therefore, it has been classified as a Variant of Uncertain Significance.

NM_205861.3(DHDDS):c.323A>G (p.Lys108Arg)

Gene: DHDDS (dehydrodolichyl diphosphate synthase subunit; plus strand). Cytogenetic location: 1p36.11.
Variant type: single nucleotide variant.
Coding change: c.323A>G on transcript NM_205861.3 (MANE Select); coding-DNA position 323, A replaced by G.
Protein change: p.Lys108Arg; replaces lysine 108 with arginine.
Molecular consequence: missense variant.
Genome position (GRCh38, 1-based): chr1:26,442,873, A>G. VCF-style: chr1-26442873-A-G. GRCh37 (hg19) VCF-style: chr1-26769364-A-G.
Other names: c.323A>G, p.Lys108Arg (NM_001243564.2, NM_001243565.2, NM_024887.4); c.44A>G, p.Lys15Arg (NM_001319959.2); c.323A>G (NM_024887.3); short protein forms K108R, K15R.
Identifiers: ClinVar variation 1353835 (VCV001353835.6), dbSNP rs2075232541, ClinGen allele CA339140886.